The following is an entry in ClinVar:

ClinVar aggregate classification (germline): Likely benign. Review status: criteria provided, multiple submitters, no conflicts (2 of 4 stars). 2 submissions from 2 submitters: Likely benign (2). Last evaluated 2025-05-01.

gnomAD v4.1: 7 of 1,603,586 alleles (0.00044%); highest among the groups gnomAD compares: South Asian, 0.0044%; no homozygotes.

Submissions (2):

CeGaT Center for Human Genetics Tuebingen
Classification: Likely benign. Last evaluated: 2025-05-01. Review status: criteria provided, single submitter. Criteria: CeGaT Center For Human Genetics Tuebingen Variant Classification Criteria Version 2. Collection method: clinical testing. Allele origin: germline. Affected: yes. Observed: 1 variant allele.
Comment: GLI3: BP4, BP7

Blueprint Genetics
Classification: Likely benign. Last evaluated: 2022-07-08. Review status: criteria provided, single submitter. Criteria: ACMG Guidelines, 2015. Collection method: clinical testing. Allele origin: germline.

NM_000168.6(GLI3):c.2892C>T (p.Leu964=)

Gene: GLI3 (GLI family zinc finger 3; minus strand). Cytogenetic location: 7p14.1.
Variant type: single nucleotide variant.
Coding change: c.2892C>T on transcript NM_000168.6 (MANE Select); coding-DNA position 2892, C replaced by T.
Protein change: p.Leu964=; no amino-acid change (leucine 964 retained).
Molecular consequence: synonymous variant.
Genome position (GRCh38, 1-based): chr7:41,966,181, G>A on the plus strand (C>T on the coding strand, the complement: GLI3 is on the minus strand). VCF-style: chr7-41966181-G-A. GRCh37 (hg19) VCF-style: chr7-42005779-G-A.
Identifiers: ClinVar variation 2657410 (VCV002657410.25), dbSNP rs1037278862, ClinGen allele CA156905082.
Genomic context (GRCh38, chr7:41,966,181, plus strand): 5'-GGCTCCCCCGTCGCTGCACCTCCTCGGGGCATGAACTGGAGGCAGGGCCACGCCAGGCTC[G>A]AGGGCATCCCCGAGCAGCGCCAGGCGCGTCTTCAGGCTCATCCTCTCCATGTTGGGCAGG-3'
Protein context (NP_000159.3, residues 954-974): KTRLALLGDA[Leu964=]EPGVALPPVH